The following is an entry in ClinVar:

NM_006445.4(PRPF8):c.690C>T (p.Phe230=)

Gene: PRPF8 (pre-mRNA processing factor 8; minus strand). Cytogenetic location: 17p13.3.
Variant type: single nucleotide variant.
Coding change: c.690C>T on transcript NM_006445.4 (MANE Select); coding-DNA position 690, C replaced by T.
Protein change: p.Phe230=; no amino-acid change (phenylalanine 230 retained).
Molecular consequence: synonymous variant.
Genome position (GRCh38, 1-based): chr17:1,681,654, G>A on the plus strand (C>T on the coding strand, the complement: PRPF8 is on the minus strand). VCF-style: chr17-1681654-G-A. GRCh37 (hg19) VCF-style: chr17-1584948-G-A.
Other names: c.690C>T (NM_006445.3).
Identifiers: ClinVar variation 810992 (VCV000810992.17), dbSNP rs200640834, ClinGen allele CA8272558.

ClinVar aggregate classification (germline): Benign/Likely benign. Review status: criteria provided, multiple submitters, no conflicts (2 of 4 stars). 4 submissions from 4 submitters: Benign (1); Likely benign (3). Last evaluated 2025-12-14.

Conditions:
Retinitis pigmentosa 13 (RP13). Also called: PRPF 8-Related Retinitis Pigmentosa. Identifiers: Orphanet 791, MedGen C1838702, MONDO:0010806, OMIM 600059.
PRPF8-related disorder. Also called: PRPF8-related condition.

Allele frequency attached by ClinVar (database versions not stated): gnomAD 0.00006; gnomAD exomes 0.00058; ExAC 0.00061; 1000 Genomes Project 30x 0.00062; 1000 Genomes Project 0.00080.
gnomAD v4.1: 416 of 1,614,120 alleles (0.026%); highest among the groups gnomAD compares: South Asian, 0.43%; 3 homozygotes.

Submissions (4):

Labcorp Genetics (formerly Invitae), Labcorp
Classification: Benign. Last evaluated: 2025-12-14. Review status: criteria provided, single submitter. Criteria: Invitae Variant Classification Sherloc (09022015). Collection method: clinical testing. Allele origin: germline.

PreventionGenetics, part of Exact Sciences
Classification: Likely benign for PRPF8-related condition. Last evaluated: 2025-09-12. Review status: criteria provided, single submitter. Criteria: ACMG Guidelines, 2015. Collection method: clinical testing. Allele origin: germline.
Comment: This variant is classified as likely benign based on ACMG/AMP sequence variant interpretation guidelines (Richards et al. 2015 PMID: 25741868, with internal and published modifications).

Blueprint Genetics
Classification: Likely benign. Last evaluated: 2024-08-29. Review status: criteria provided, single submitter. Criteria: ACMG Guidelines, 2015. Collection method: clinical testing. Allele origin: germline.

ARUP Laboratories, Molecular Genetics and Genomics, ARUP Laboratories
Classification: Likely benign for Retinitis pigmentosa 13. Last evaluated: 2019-06-19. Review status: criteria provided, single submitter. Criteria: ARUP Molecular Germline Variant Investigation Process. Collection method: clinical testing. Allele origin: germline.